The following is an entry in ClinVar:

ClinVar aggregate classification (germline): Uncertain significance (1 of 4 stars; one submission).

Allele frequency attached by ClinVar (database versions not stated): ExAC 0.00002; gnomAD 0.00002; TOPMed 0.00002; gnomAD exomes 0.00003.
gnomAD v4.1: 43 of 1,614,102 alleles (0.0027%); highest among the groups gnomAD compares: Middle Eastern, 0.26%; no homozygotes.

Submission:

Ambry Genetics
Classification: Uncertain significance. Last evaluated: 2023-02-04. Review status: criteria provided, single submitter. Criteria: Ambry Variant Classification Scheme 2023. Collection method: clinical testing. Allele origin: germline.
Comment: The p.I1409V variant (also known as c.4225A>G), located in coding exon 4 of the ALPK2 gene, results from an A to G substitution at nucleotide position 4225. The isoleucine at codon 1409 is replaced by valine, an amino acid with highly similar properties. This amino acid position is conserved. In addition, this alteration is predicted to be tolerated by in silico analysis. Since supporting evidence is limited at this time, the clinical significance of this alteration remains unclear.

NM_052947.4(ALPK2):c.4225A>G (p.Ile1409Val)

Genes: ALPK2 (alpha kinase 2; minus strand), LOC126862764 (BRD4-independent group 4 enhancer GRCh37_chr18:56202574-56203773; plus strand). Cytogenetic location: 18q21.31.
Variant type: single nucleotide variant.
Coding change: c.4225A>G on transcript NM_052947.4 (MANE Select); coding-DNA position 4225, A replaced by G.
Protein change: p.Ile1409Val; replaces isoleucine 1409 with valine.
Molecular consequence: missense variant.
Genome position (GRCh38, 1-based): chr18:58,535,962, T>C on the plus strand (A>G on the coding strand, the complement: ALPK2 is on the minus strand). VCF-style: chr18-58535962-T-C. GRCh37 (hg19) VCF-style: chr18-56203194-T-C.
Other names: short protein forms I1409V.
Identifiers: ClinVar variation 2450695 (VCV002450695.2), dbSNP rs754907612, ClinGen allele CA8976749.